The following is an entry in ClinVar:

ClinVar aggregate classification (germline): Uncertain significance (1 of 4 stars; one submission).

Allele frequency attached by ClinVar (database versions not stated): TOPMed below 0.00001.
gnomAD v4.1: 22 of 1,614,002 alleles (0.0014%); highest among the groups gnomAD compares: Non-Finnish European, 0.0019%; no homozygotes.

Submission:

GeneDx
Classification: Uncertain significance. Last evaluated: 2022-12-31. Review status: criteria provided, single submitter. Criteria: GeneDx Variant Classification Process June 2021. Collection method: clinical testing. Allele origin: germline. Affected: yes.
Comment: Not observed at significant frequency in large population cohorts (gnomAD); In silico analysis supports that this missense variant does not alter protein structure/function; Has not been previously published as pathogenic or benign to our knowledge

NM_000185.4(SERPIND1):c.218G>A (p.Gly73Glu)

Genes: PI4KA (phosphatidylinositol 4-kinase alpha; minus strand), SERPIND1 (serpin family D member 1; plus strand). Cytogenetic location: 22q11.21.
Variant type: single nucleotide variant.
Coding change: c.218G>A on transcript NM_000185.4 (MANE Select); coding-DNA position 218, G replaced by A.
Protein change: p.Gly73Glu; replaces glycine 73 with glutamic acid.
Molecular consequence: missense variant. On other transcripts: intron variant (3).
Genome position (GRCh38, 1-based): chr22:20,779,530, G>A. VCF-style: chr22-20779530-G-A. GRCh37 (hg19) VCF-style: chr22-21133818-G-A.
Other names: c.2262+13663C>T (NM_001362863.2); c.2328+13663C>T (NM_001362862.2, NM_058004.4); short protein forms G73E.
Identifiers: ClinVar variation 2507384 (VCV002507384.1), dbSNP rs1933582345, ClinGen allele CA410769311.